The following is an entry in ClinVar:

GRCh37/hg19 6q15-16.1(chr6:88018122-94565168)x1

Genes: AKIRIN2 (akirin 2; minus strand), ANKRD6 (ankyrin repeat domain 6; plus strand), CASP8AP2 (caspase 8 associated protein 2; plus strand), CFAP206 (cilia and flagella associated protein 206; plus strand), LYRM2 (LYR motif containing 2; minus strand) and 21 more. Cytogenetic location: 6q15-16.1.
Variant type: copy number loss.
Change: copy number 1 (one copy instead of two) of chr6:88,018,122-94,565,168 (6.55 Mb, GRCh37 coordinates, 1-based), cytogenetic band 6q15-16.1.
Identifiers: ClinVar variation 2685209 (VCV002685209.1).

ClinVar aggregate classification (germline): Pathogenic (1 of 4 stars; one submission).

Submission:

Quest Diagnostics Nichols Institute San Juan Capistrano
Classification: Pathogenic. Last evaluated: 2022-11-09. Review status: criteria provided, single submitter. Criteria: ACMG/ClinGen CNV Guidelines, 2019. Collection method: clinical testing. Allele origin: unknown.
Comment: The copy number loss of 6q15q16.1 involves 26 protein-coding genes. A genotype-phenotype review of a series of 45 proximal 6q (6q11-q16.3) deletions defined five subregions, among which patients with deletions within segment 6q14.2 to 6q15 had relatively severe phenotypes (Engwerda 2018). Two similar deletions have been reported in the Decipher clinical database. Further, a recent study reported 12 additional patients with 6q16.1 deletions involving EPHA7 gene (Levy 2021). Variable expressivity and incomplete penetrance have been suggested. There are no similar copy number losses spanning this region in the general populations of the Database of Genomic Variants. Based on current medical literature and gene content, this copy number variant (CNV) is classified as pathogenic. References: Engwerda et al., Eur J Hum Genet. 2018 Oct;26(10):1478-1489. PMID: 29904178 Levy et al., Clin Genet. 2021 Oct;100(4):396-404. PMID: 34176129 Traylor et al., Mol Cytogenet. 2009 Aug 7;2:17. PMID: 19664229